The following is an entry in ClinVar:

NM_007118.4(TRIO):c.3826C>T (p.Arg1276Ter)

Gene: TRIO (trio Rho guanine nucleotide exchange factor; plus strand). Cytogenetic location: 5p15.2.
Variant type: single nucleotide variant.
Coding change: c.3826C>T on transcript NM_007118.4 (MANE Select); coding-DNA position 3826, C replaced by T.
Protein change: p.Arg1276Ter; replaces arginine 1276 with a stop codon.
Molecular consequence: nonsense. On other transcripts: non-coding transcript variant (1).
Genome position (GRCh38, 1-based): chr5:14,387,792, C>T. VCF-style: chr5-14387792-C-T. GRCh37 (hg19) VCF-style: chr5-14387901-C-T.
Other names: short protein forms R1276*.
Identifiers: ClinVar variation 2581763 (VCV002581763.2), dbSNP rs2532857159, ClinGen allele CA359226754.

ClinVar aggregate classification (germline): Pathogenic (1 of 4 stars; one submission).

Submission:

GeneDx
Classification: Pathogenic. Last evaluated: 2025-12-04. Review status: criteria provided, single submitter. Criteria: GeneDx Variant Classification Process June 2021. Collection method: clinical testing. Allele origin: germline. Affected: yes.
Comment: Reported as a de novo variant in association with schizophrenia in published literature, but detailed clinical information was not provided (PMID: 31932770, 28973398); Nonsense variant predicted to result in protein truncation or nonsense mediated decay in a gene for which loss of function is a known mechanism of disease; Not observed at significant frequency in large population cohorts (gnomAD); This variant is associated with the following publications: (PMID: 30840899, 28973398, 36863698, 31932770)